The following is an entry in ClinVar:

ClinVar aggregate classification (germline): Conflicting classifications of pathogenicity. Review status: criteria provided, conflicting classifications (1 of 4 stars). 11 submissions from 11 submitters: Pathogenic (2); Likely pathogenic (3); Uncertain significance (2). 4 of the submissions do not count toward it. Last evaluated 2025-10-23.

Conditions:
CFTR-related disorder (CFTR-RD). Also called: CFTR-related condition; CFTR-related disorders. Identifiers: MedGen C5924204, MONDO:7770004.
Cystic fibrosis (CF). Also called: MUCOVISCIDOSIS. Identifiers: Orphanet 586, MedGen C0010674, MONDO:0009061, OMIM 219700. Disease mechanism: loss of function.
Congenital bilateral aplasia of vas deferens from CFTR mutation (CBAVD). Identifiers: Orphanet 48, MedGen C0403814, MONDO:0010178, OMIM 277180. Disease mechanism: loss of function.

Allele frequency attached by ClinVar (database versions not stated): TOPMed below 0.00001; ExAC 0.00001; 1000 Genomes Project 30x 0.00031; gnomAD 0.00001; 1000 Genomes Project 0.00020.
gnomAD v4.1: 19 of 1,614,030 alleles (0.0012%); highest among the groups gnomAD compares: Middle Eastern, 0.017%; no homozygotes.

Submissions (11):

Ambry Genetics
Classification: Pathogenic for Cystic fibrosis. Last evaluated: 2025-10-23. Review status: criteria provided, single submitter. Criteria: Ambry Variant Classification Scheme 2023. Collection method: clinical testing. Allele origin: germline.
Comment: The p.I1366T pathogenic mutation (also known as c.4097T>C), located in coding exon 25 of the CFTR gene, results from a T to C substitution at nucleotide position 4097. The isoleucine at codon 1366 is replaced by threonine, an amino acid with similar properties. This variant has been identified in the homozygous state and/or in conjunction with other CFTR variant(s) in individual(s) with features consistent with CFTR-related disorders; in at least one instance, the variants were identified in trans (Ambry internal data). This alteration has been reported in a subject with congenital bilateral absence of the vas deferens (CBAVD) and in one healthy individual (Le Mar&eacute;chal C et al. Hum. Genet., 2001 Apr;108:290-8; Steiner B et al. Hum Mutat, 2011 Aug;32:912-20). In an assay testing CFTR function, this variant showed a functionally abnormal/normal result (Bihler H et al. J Cyst Fibros, 2024 Jul;23:664-675). This amino acid position is highly conserved in available vertebrate species. In addition, this alteration is predicted to be deleterious by in silico analysis. Based on available evidence to date, this variant is unlikely to be causative of classic cystic fibrosis; however, it likely contributes to the development of a CFTR-related disorder. This alteration is thus classified as pathogenic.

Women's Health and Genetics/Laboratory Corporation of America, LabCorp
Classification: Likely pathogenic for Congenital bilateral aplasia of vas deferens from CFTR mutation. Last evaluated: 2025-09-17. Review status: criteria provided, single submitter. Criteria: LabCorp Variant Classification Summary - May 2015. Collection method: clinical testing. Allele origin: germline.
Comment: Variant summary: CFTR c.4097T>C (p.Ile1366Thr) results in a non-conservative amino acid change located in the ABC transporter-like, ATP-binding domain (IPR003439) of the encoded protein sequence. Algorithms developed to predict the effect of missense changes on protein structure and function all suggest that this variant is likely to be disruptive. The variant allele was found at a frequency of 1.6e-05 in 252084 control chromosomes. c.4097T>C has been observed in individuals affected with Congenital Bilateral Absence Of The Vas Deferens and Cystic Fibrosis (example: Steiner_2011, Feuillet_Fieux_2002, Raraigh_2022). These reports do not provide unequivocal conclusions about association of the variant with CFTR-related disorders. A different variant affecting the same codon has been classified as likely pathogenic by our lab (c.4097T>A, p.Ile1366Asn), supporting the critical relevance of codon 1366 to CFTR protein function. At least one publication reports experimental evidence evaluating an impact on protein function. The most pronounced variant effect resulted in approximately (Gt channel conductance) 13% of normal chloride channel conductance relative to wild type (e.g., Bihler_2024). The following publications have been ascertained in the context of this evaluation (PMID: 21520337, 22995991, 34782259, 38388235). ClinVar contains an entry for this variant (Variation ID: 526019). Based on the evidence outlined above, the variant was classified as likely pathogenic.

Labcorp Genetics (formerly Invitae), Labcorp
Classification: Uncertain significance for Cystic fibrosis. Last evaluated: 2024-06-20. Review status: criteria provided, single submitter. Criteria: Invitae Variant Classification Sherloc (09022015). Collection method: clinical testing. Allele origin: germline.
Comment: This sequence change replaces isoleucine, which is neutral and non-polar, with threonine, which is neutral and polar, at codon 1366 of the CFTR protein (p.Ile1366Thr). This variant is present in population databases (rs200955612, gnomAD 0.003%). This missense change has been observed in individual(s) with congenital bilateral absence of the vas defense (PMID: 21520337). ClinVar contains an entry for this variant (Variation ID: 526019). Advanced modeling of protein sequence and biophysical properties (such as structural, functional, and spatial information, amino acid conservation, physicochemical variation, residue mobility, and thermodynamic stability) performed at Invitae indicates that this missense variant is expected to disrupt CFTR protein function with a positive predictive value of 80%. In summary, the available evidence is currently insufficient to determine the role of this variant in disease. Therefore, it has been classified as a Variant of Uncertain Significance.

Institute of Human Genetics, University of Leipzig Medical Center
Classification: Likely pathogenic for Cystic fibrosis. Last evaluated: 2023-01-19. Review status: criteria provided, single submitter. Criteria: ACMG Guidelines, 2015. Collection method: curation. Allele origin: unknown. Affected: yes. Observed: 1 variant allele.
Comment: The variant was classified in the context of a project re-classifying variants in the German Cystic Fibrosis Registry (Muko.e.V.). Criteria applied: PM2_SUP, PM5_STR, PP3

ARUP Laboratories, Molecular Genetics and Genomics, ARUP Laboratories
Classification: Uncertain significance. Last evaluated: 2020-08-13. Review status: criteria provided, single submitter. Criteria: ARUP Molecular Germline Variant Investigation Process. Collection method: clinical testing. Allele origin: germline.
Comment: The CFTR c.4097T>C; p.Ile1366Thr variant (rs200955612) is reported in the literature in the heterozygous state in individuals affected with congenital bilateral absence of the vas deferens and also in healthy carriers (Le Marechal 2001, Steiner 2011). This variant is reported in ClinVar (Variation ID: 526019), and is only observed on three alleles in the Genome Aggregation Database, indicating it is not a common polymorphism. The isoleucine at codon 1366 is highly conserved, and computational analyses (SIFT, PolyPhen-2) predict that this variant is deleterious. Additionally, other variants at this codon (c.4097T>A; p.Ile1366Asn; c.4096A>T; p.Ile1366Phe) have been reported in individuals with cystic fibrosis (see link to CFTR2 database, Arslan 2020). However, given the lack of clinical and functional data, the significance of the p.Ile1366Thr variant is uncertain at this time. References: Link to CFTR2 database: Arslan AB et al. A Novel Pathogenic Variant of the CFTR Gene in a Patient with Cystic Fibrosis Phenotype-c.4096A?>?T. J Pediatr Genet. 2020;9(1):40-43. Le Marechal C et al. Complete and rapid scanning of the cystic fibrosis transmembrane conductance regulator (CFTR) gene by denaturing high-performance liquid chromatography (D-HPLC): major implications for genetic counselling. Hum Genet. 2001;108(4):290-298. Steiner B et al. Common CFTR haplotypes and susceptibility to chronic pancreatitis and congenital bilateral absence of the vas deferens. Hum Mutat. 2012 Feb;33(2):456. Hum Mutat. 2011;32(8):912-920.

CFTR-France
Classification: Pathogenic for CFTR-related disorders. Last evaluated: 2018-01-29. Review status: criteria provided, single submitter. Criteria: Claustres M et al. (Hum Mutat 2017). Collection method: curation. Allele origin: germline. Affected: yes.

Clinical Genetics Service, Universitary Hospital 12 de Octubre
Classification: Likely pathogenic for Cystic fibrosis. Review status: criteria provided, single submitter. Criteria: ACMG Guidelines, 2015. Collection method: clinical testing. Allele origin: maternal. Affected: yes.

Natera, Inc.
Classification: Uncertain significance for Cystic Fibrosis. Last evaluated: 2020-09-16. Review status: no assertion criteria provided. Collection method: clinical testing. Allele origin: germline. Not counted in ClinVar's aggregate classification.

Counsyl
Classification: Uncertain significance for Cystic fibrosis. Last evaluated: 2017-06-02. Review status: no assertion criteria provided. Collection method: clinical testing. Allele origin: unknown. Not counted in ClinVar's aggregate classification.

Clinical Genetics DNA and cytogenetics Diagnostics Lab, Erasmus MC, Erasmus Medical Center
Classification: Uncertain significance. Review status: no assertion criteria provided. Collection method: clinical testing. Allele origin: germline. Affected: yes. Study: VKGL Data-share Consensus. Not counted in ClinVar's aggregate classification.

Diagnostic Laboratory, Department of Genetics, University Medical Center Groningen
Classification: Uncertain significance. Review status: no assertion criteria provided. Collection method: clinical testing. Allele origin: germline. Affected: yes. Study: VKGL Data-share Consensus. Not counted in ClinVar's aggregate classification.

Literature cited by the submitters: PubMed 11379874 (cited by Ambry Genetics); PubMed 21520337 (cited by 3 submitters); PubMed 22995991 (cited by Ambry Genetics and Women's Health and Genetics/Laboratory Corporation of America, LabCorp); PubMed 23276700 (cited by Ambry Genetics); PubMed 38388235 (cited by Ambry Genetics and Women's Health and Genetics/Laboratory Corporation of America, LabCorp); PubMed 34782259 (cited by Women's Health and Genetics/Laboratory Corporation of America, LabCorp).

NM_000492.4(CFTR):c.4097T>C (p.Ile1366Thr)

Gene: CFTR (CF transmembrane conductance regulator; plus strand). Cytogenetic location: 7q31.2.
Variant type: single nucleotide variant.
Coding change: c.4097T>C on transcript NM_000492.4 (MANE Select); coding-DNA position 4097, T replaced by C.
Protein change: p.Ile1366Thr; replaces isoleucine 1366 with threonine.
Molecular consequence: missense variant.
Genome position (GRCh38, 1-based): chr7:117,664,821, T>C. VCF-style: chr7-117664821-T-C. GRCh37 (hg19) VCF-style: chr7-117304875-T-C.
Other names: short protein forms I1366T.
Identifiers: ClinVar variation 526019 (VCV000526019.25), dbSNP rs200955612, ClinGen allele CA4451629.